The following is an entry in ClinVar:

ClinVar aggregate classification (germline): Uncertain significance (1 of 4 stars; one submission).

Conditions:
Curry-Hall syndrome (WAD). Also called: WEYERS ACRODENTAL DYSOSTOSIS. Identifiers: Orphanet 952, MedGen C0457013, MONDO:0008673, OMIM 193530.
Ellis-van Creveld syndrome (EVC). Also called: MESOECTODERMAL DYSPLASIA; EVC-Related Ellis-van Creveld Syndrome; EVC2-Related Ellis-van Creveld Syndrome; Chondroectodermal dysplasia. Identifiers: Orphanet 289, MedGen C0013903, MONDO:0009162, OMIM 225500.

Submission:

Labcorp Genetics (formerly Invitae), Labcorp
Classification: Uncertain significance for Curry-Hall syndrome; Ellis-van Creveld syndrome. Last evaluated: 2021-05-27. Review status: criteria provided, single submitter. Criteria: Invitae Variant Classification Sherloc (09022015). Collection method: clinical testing. Allele origin: germline.
Comment: In summary, the available evidence is currently insufficient to determine the role of this variant in disease. Therefore, it has been classified as a Variant of Uncertain Significance. Algorithms developed to predict the effect of missense changes on protein structure and function are either unavailable or do not agree on the potential impact of this missense change (SIFT: "Deleterious"; PolyPhen-2: "Benign"; Align-GVGD: "Class C0"). This variant has not been reported in the literature in individuals with EVC-related conditions. This variant is not present in population databases (ExAC no frequency). This sequence change replaces alanine with glycine at codon 146 of the EVC protein (p.Ala146Gly). The alanine residue is highly conserved and there is a small physicochemical difference between alanine and glycine.

NM_153717.3(EVC):c.437C>G (p.Ala146Gly)

Gene: EVC (EvC ciliary complex subunit 1; plus strand). Cytogenetic location: 4p16.2.
Variant type: single nucleotide variant.
Coding change: c.437C>G on transcript NM_153717.3 (MANE Select); coding-DNA position 437, C replaced by G.
Protein change: p.Ala146Gly; replaces alanine 146 with glycine.
Molecular consequence: missense variant.
Genome position (GRCh38, 1-based): chr4:5,731,477, C>G. VCF-style: chr4-5731477-C-G. GRCh37 (hg19) VCF-style: chr4-5733204-C-G.
Other names: c.437C>G, p.Ala146Gly (NM_001306090.2, NM_001306092.2); short protein forms A146G.
Identifiers: ClinVar variation 1356774 (VCV001356774.9), dbSNP rs2151935147, ClinGen allele CA356142586.